The following is an entry in ClinVar:

ClinVar aggregate classification (germline): Pathogenic/Likely pathogenic. Review status: criteria provided, multiple submitters, no conflicts (2 of 4 stars). 2 submissions from 2 submitters: Pathogenic (1); Likely pathogenic (1). Last evaluated 2022-05-04.

Conditions:
Becker muscular dystrophy (BMD). Also called: MUSCULAR DYSTROPHY, PSEUDOHYPERTROPHIC PROGRESSIVE, BECKER TYPE; Becker Muscular Dystrophy (BMD). Identifiers: Orphanet 98895, MedGen C0917713, MONDO:0010311, OMIM 300376.
Progressive muscular dystrophy. Identifiers: Orphanet 206644, MedGen C4551827, MONDO:0016106.

Submissions (2):

Mendelics
Classification: Pathogenic for Becker muscular dystrophy. Last evaluated: 2022-05-04. Review status: criteria provided, single submitter. Criteria: Mendelics Assertion Criteria 2019. Collection method: clinical testing. Allele origin: germline.

Myriad Genetics, Inc.
Classification: Likely pathogenic for Progressive muscular dystrophy. Last evaluated: 2022-03-03. Review status: criteria provided, single submitter. Criteria: Myriad Autosomal Dominant, Autosomal Recessive and X-Linked Classification Criteria (2023). Collection method: clinical testing. Allele origin: unknown.
Comment: NM_004006.2(DMD):c.8206A>T(K2736*) is expected to be pathogenic in the context of dystrophinopathy (including Duchenne/Becker muscular dystrophy). This variant is predicted to lead to an abnormal or absent protein product due to the creation of a premature termination codon in DMD, a gene where loss-of-function variants are known to be pathogenic. Please note: this variant was assessed in the context of healthy population screening.

NM_004006.3(DMD):c.8206A>T (p.Lys2736Ter)

Gene: DMD (dystrophin; minus strand). Cytogenetic location: Xp21.1.
Variant type: single nucleotide variant.
Coding change: c.8206A>T on transcript NM_004006.3 (MANE Select); coding-DNA position 8206, A replaced by T.
Protein change: p.Lys2736Ter; replaces lysine 2736 with a stop codon.
Molecular consequence: nonsense.
Genome position (GRCh38, 1-based): chrX:31,627,684, T>A on the plus strand (A>T on the coding strand, the complement: DMD is on the minus strand). VCF-style: chrX-31627684-T-A. GRCh37 (hg19) VCF-style: chrX-31645801-T-A.
Other names: c.8182A>T, p.Lys2728Ter (NM_000109.4); c.8194A>T, p.Lys2732Ter (NM_004009.3); c.7837A>T, p.Lys2613Ter (NM_004010.3); c.4183A>T, p.Lys1395Ter (NM_004011.4); c.4174A>T, p.Lys1392Ter (NM_004012.4); c.826A>T, p.Lys276Ter (NM_004013.3, NM_004020.4, NM_004021.3 and 2 more transcripts); short protein forms K1392*, K1395*, K2613*, K2728*, K2732*, K2736*, K276*.
Identifiers: ClinVar variation 1685717 (VCV001685717.4), dbSNP rs2148421809, ClinGen allele CA412657071.